The following is an entry in ClinVar:

ClinVar aggregate classification (germline): Likely pathogenic (0 of 4 stars; one submission).

Conditions:
Rod-cone dystrophy. Identifiers: MedGen C4551714, HP:0000510.

Submission:

Centre for Vision Research, Duke-NUS Medical School
Classification: Likely pathogenic for Rod-cone dystrophy. Last evaluated: 2026-09-04. Review status: no assertion criteria provided. Collection method: clinical testing. Allele origin: germline. Affected: yes. Observed: 2 variant alleles.

NM_001034853.2(RPGR):c.2485_2488del (p.Glu829fs)

Gene: RPGR (retinitis pigmentosa GTPase regulator; minus strand). Cytogenetic location: Xp11.4.
Variant type: Deletion.
Coding change: c.2485_2488del on transcript NM_001034853.2 (MANE Select); coding-DNA positions 2485 to 2488, 4 bases deleted (GAAG; older notation c.2485_2488delGAAG).
Protein change: p.Glu829fs; shifts the reading frame from glutamic acid 829.
Molecular consequence: frameshift variant. On other transcripts: intron variant (8).
Genome position (GRCh38, 1-based): chrX:38,286,511-38,286,514, CTTC deleted on the plus strand (GAAG on the coding strand, the reverse complement: RPGR is on the minus strand); deleting any 4 consecutive bases within chrX:38,286,511-38,286,516 gives the same sequence; the c. name uses the placement nearest the transcript's 3' end. VCF-style (leftmost placement, unchanged base first): chrX-38286510-TCTTC-T. GRCh37 (hg19) VCF-style: chrX-38145763-TCTTC-T.
Other names: c.1569+4445_1569+4448del (NM_001367249.1, NM_001367250.1); c.1902+580_1902+583del (NM_001367245.1); c.1386+4445_1386+4448del (NM_001367251.1); c.1719+580_1719+583del (NM_001367246.1); c.1572+4445_1572+4448del (NM_001367247.1); c.1905+580_1905+583del (NM_000328.3); c.1602+4445_1602+4448del (NM_001367248.1); short protein forms E829fs.
Identifiers: ClinVar variation 5037930 (VCV005037930.1).